The following is an entry in ClinVar:

ClinVar aggregate classification (germline): Uncertain significance (1 of 4 stars; one submission).

Conditions:
Inborn genetic diseases. Identifiers: MedGen C0950123, MeSH D030342.

gnomAD v4.1: 1 of 1,614,192 alleles (0.000062%); highest among the groups gnomAD compares: Non-Finnish European, 0.000085%; no homozygotes.

Submission:

Ambry Genetics
Classification: Uncertain significance for Inborn genetic diseases. Last evaluated: 2022-04-10. Review status: criteria provided, single submitter. Criteria: Ambry Variant Classification Scheme 2023. Collection method: clinical testing. Allele origin: germline.
Comment: The p.D747G variant (also known as c.2240A>G), located in coding exon 17 of the BUB1B gene, results from an A to G substitution at nucleotide position 2240. The aspartic acid at codon 747 is replaced by glycine, an amino acid with similar properties. This amino acid position is conserved. In addition, this alteration is predicted to be tolerated by in silico analysis. Since supporting evidence is limited at this time, the clinical significance of this alteration remains unclear.

NM_001211.6(BUB1B):c.2240A>G (p.Asp747Gly)

Gene: BUB1B (BUB1 mitotic checkpoint serine/threonine kinase B; plus strand). Cytogenetic location: 15q15.1.
Variant type: single nucleotide variant.
Coding change: c.2240A>G on transcript NM_001211.6 (MANE Select); coding-DNA position 2240, A replaced by G.
Protein change: p.Asp747Gly; replaces aspartic acid 747 with glycine.
Molecular consequence: missense variant.
Genome position (GRCh38, 1-based): chr15:40,209,731, A>G. VCF-style: chr15-40209731-A-G. GRCh37 (hg19) VCF-style: chr15-40501932-A-G.
Other names: short protein forms D747G.
Identifiers: ClinVar variation 1788271 (VCV001788271.2), dbSNP rs2542571858, ClinGen allele CA391694484.
Genomic context (GRCh38, chr15:40,209,731, plus strand): 5'-GCAGACAGCTACTGAAGTCCCTACCAGAGTTAAGTGCCTCTGCAGAGTTGTGTATAGAAG[A>G]CAGACCAATGCCTAAGTTGGAAATTGAGAAGGAAATTGAATTAGGTAAGTACCATTGAAC-3'
Protein context (NP_001202.5, residues 737-757): LSASAELCIE[Asp747Gly]RPMPKLEIEK